The following is an entry in ClinVar:

ClinVar aggregate classification (germline): Uncertain significance. Review status: criteria provided, single submitter (1 of 4 stars). 2 submissions from 2 submitters: Uncertain significance (1). 1 of the submissions does not count toward it. Last evaluated 2025-03-28.

Conditions:
MSH6-related disorder. Also called: MSH6-related condition; MSH6-Related disorders.
Hereditary cancer-predisposing syndrome. Also called: Tumor predisposition; Hereditary Cancer Syndrome; Hereditary neoplastic syndrome; Neoplastic Syndromes, Hereditary. Identifiers: Orphanet 140162, MedGen C0027672, MeSH D009386, MONDO:0015356.

gnomAD v4.1: 1 of 1,614,156 alleles (0.000062%); highest among the groups gnomAD compares: East Asian, 0.0022%; no homozygotes.

Submissions (2):

Ambry Genetics
Classification: Uncertain significance for Hereditary cancer-predisposing syndrome. Last evaluated: 2025-03-28. Review status: criteria provided, single submitter. Criteria: Ambry Variant Classification Scheme 2023. Collection method: clinical testing. Allele origin: germline.
Comment: The p.K412R variant (also known as c.1235A>G), located in coding exon 4 of the MSH6 gene, results from an A to G substitution at nucleotide position 1235. The lysine at codon 412 is replaced by arginine, an amino acid with highly similar properties. This amino acid position is conserved. In addition, this alteration is predicted to be tolerated by in silico analysis. Based on the available evidence, the clinical significance of this variant remains unclear.

PreventionGenetics, part of Exact Sciences
Classification: Uncertain significance for MSH6-related condition. Last evaluated: 2024-06-24. Review status: no assertion criteria provided. Collection method: clinical testing. Allele origin: germline. Not counted in ClinVar's aggregate classification.
Comment: The MSH6 c.1235A>G variant is predicted to result in the amino acid substitution p.Lys412Arg. To our knowledge, this variant has not been reported in the literature. This variant is reported in 0.0054% of alleles in individuals of East Asian descent in gnomAD. At this time, the clinical significance of this variant is uncertain due to the absence of conclusive functional and genetic evidence.

NM_000179.3(MSH6):c.1235A>G (p.Lys412Arg)

Gene: MSH6 (mutS homolog 6; plus strand). Cytogenetic location: 2p16.3.
Variant type: single nucleotide variant.
Coding change: c.1235A>G on transcript NM_000179.3 (MANE Select); coding-DNA position 1235, A replaced by G.
Protein change: p.Lys412Arg; replaces lysine 412 with arginine.
Molecular consequence: missense variant. On other transcripts: non-coding transcript variant (4), intron variant (1).
Genome position (GRCh38, 1-based): chr2:47,799,218, A>G. VCF-style: chr2-47799218-A-G. GRCh37 (hg19) VCF-style: chr2-48026357-A-G.
Other names: c.845A>G, p.Lys282Arg (NM_001281492.2); c.329A>G, p.Lys110Arg (NM_001281493.2, NM_001281494.2, NM_001406811.1 and 6 more transcripts); c.1331A>G, p.Lys444Arg (NM_001406795.1, NM_001406802.1); c.1235A>G, p.Lys412Arg (NM_001406796.1, NM_001406798.1, NM_001406800.1 and 4 more transcripts); c.938A>G, p.Lys313Arg (NM_001406797.1, NM_001406801.1, NM_001406805.1 and 10 more transcripts); c.710A>G, p.Lys237Arg (NM_001406799.1, NM_001406806.1, NM_001406807.1); c.1157A>G, p.Lys386Arg (NM_001406804.1); c.1241A>G, p.Lys414Arg (NM_001406813.1); and 2 more; short protein forms K110R, K237R, K282R, K313R, K356R, K386R, K412R, K414R.
Identifiers: ClinVar variation 3344800 (VCV003344800.2).
Genomic context (GRCh38, chr2:47,799,218, plus strand): 5'-ATGCATCTACACTCTATGTGCCTGAGGATTTCCTCAATTCTTGTACTCCTGGGATGAGGA[A>G]GTGGTGGCAGATTAAGTCTCAGAACTTTGATCTTGTCATCTGTTACAAGGTGGGGAAATT-3'
Protein context (NP_000170.1, residues 402-422): FLNSCTPGMR[Lys412Arg]WWQIKSQNFD